The following is an entry in ClinVar:

ClinVar aggregate classification (germline): Uncertain significance. Review status: criteria provided, multiple submitters, no conflicts (2 of 4 stars). 2 submissions from 2 submitters: Uncertain significance (2). Last evaluated 2023-09-21.

Conditions:
Inborn genetic diseases. Identifiers: MedGen C0950123, MeSH D030342.

Allele frequency attached by ClinVar (database versions not stated): gnomAD exomes below 0.00001 and 0.00001; gnomAD 0.00001; TOPMed 0.00002.
gnomAD v4.1: 20 of 1,612,264 alleles (0.0012%); highest among the groups gnomAD compares: Middle Eastern, 0.18%; 1 homozygote.

Submissions (2):

Ambry Genetics
Classification: Uncertain significance for Inborn genetic diseases. Last evaluated: 2023-09-21. Review status: criteria provided, single submitter. Criteria: Ambry Variant Classification Scheme 2023. Collection method: clinical testing. Allele origin: germline.

Labcorp Genetics (formerly Invitae), Labcorp
Classification: Uncertain significance. Last evaluated: 2022-01-14. Review status: criteria provided, single submitter. Criteria: Invitae Variant Classification Sherloc (09022015). Collection method: clinical testing. Allele origin: germline.
Comment: This sequence change replaces arginine, which is basic and polar, with lysine, which is basic and polar, at codon 116 of the ORC4 protein (p.Arg116Lys). In summary, the available evidence is currently insufficient to determine the role of this variant in disease. Therefore, it has been classified as a Variant of Uncertain Significance. Algorithms developed to predict the effect of missense changes on protein structure and function output the following: SIFT: "Tolerated"; PolyPhen-2: "Benign"; Align-GVGD: "Class C0". The lysine amino acid residue is found in multiple mammalian species, which suggests that this missense change does not adversely affect protein function. ClinVar contains an entry for this variant (Variation ID: 1054226). This variant has not been reported in the literature in individuals affected with ORC4-related conditions. This variant is not present in population databases (gnomAD no frequency).

NM_181741.4(ORC4):c.347G>A (p.Arg116Lys)

Gene: ORC4 (origin recognition complex subunit 4; minus strand). Cytogenetic location: 2q23.1.
Variant type: single nucleotide variant.
Coding change: c.347G>A on transcript NM_181741.4 (MANE Select); coding-DNA position 347, G replaced by A.
Protein change: p.Arg116Lys; replaces arginine 116 with lysine.
Molecular consequence: missense variant.
Genome position (GRCh38, 1-based): chr2:147,958,338, C>T on the plus strand (G>A on the coding strand, the complement: ORC4 is on the minus strand). VCF-style: chr2-147958338-C-T. GRCh37 (hg19) VCF-style: chr2-148715907-C-T.
Other names: c.347G>A, p.Arg116Lys (NM_001190879.3, NM_001374270.1, NM_002552.5 and 1 more transcripts); c.95G>A, p.Arg32Lys (NM_001190881.3, NM_001374272.1); c.125G>A, p.Arg42Lys (NM_001190882.3); short protein forms R116K, R32K, R42K.
Identifiers: ClinVar variation 1054226 (VCV001054226.10), dbSNP rs1221060917, ClinGen allele CA348714256.